The following is an entry in ClinVar:

NM_000047.3(ARSL):c.109C>T (p.Arg37Ter)

Gene: ARSL (arylsulfatase L; minus strand). Cytogenetic location: Xp22.33.
Variant type: single nucleotide variant.
Coding change: c.109C>T on transcript NM_000047.3 (MANE Select); coding-DNA position 109, C replaced by T.
Protein change: p.Arg37Ter; replaces arginine 37 with a stop codon.
Molecular consequence: nonsense. On other transcripts: intron variant (1).
Genome position (GRCh38, 1-based): chrX:2,958,350, G>A on the plus strand (C>T on the coding strand, the complement: ARSL is on the minus strand). VCF-style: chrX-2958350-G-A. GRCh37 (hg19) VCF-style: chrX-2876391-G-A.
Other names: c.184C>T, p.Arg62Ter (NM_001282628.2, NM_001369080.1); c.136C>T, p.Arg46Ter (NM_001369079.1); c.23+2028C>T (NM_001282631.2); short protein forms R37*, R46*, R62*.
Identifiers: ClinVar variation 977205 (VCV000977205.3), dbSNP rs754885040, ClinGen allele CA10338255.
Genomic context (GRCh38, chrX:2,958,350, plus strand): 5'-CATAGCAGCCAATGTCCCCAATGCCAAGGTCGTCCGCCATCAGAAGAAGGATGTTCGGTC[G>A]GGAGGCGGAAATGTCGCTGGAAGCTGATGGTGCCAAACTTAGCAGTACAGCGAGCATCGC-3'

ClinVar aggregate classification (germline): Likely pathogenic (1 of 4 stars; one submission).

Allele frequency attached by ClinVar (database versions not stated): gnomAD exomes below 0.00001 and 0.00001; ExAC 0.00001.
gnomAD v4.1: 1 of 1,211,880 alleles (0.000083%); highest among the groups gnomAD compares: African/African-American, 0.0017%; no homozygotes.

Submission:

Greenwood Genetic Center Diagnostic Laboratories, Greenwood Genetic Center
Classification: Likely pathogenic. Last evaluated: 2020-07-23. Review status: criteria provided, single submitter. Criteria: ACMG Guidelines, 2015. Collection method: clinical testing. Allele origin: germline. Affected: yes.
Comment: PVS1, PM2